The following is an entry in ClinVar:

ClinVar aggregate classification (germline): Likely benign. Review status: criteria provided, multiple submitters, no conflicts (2 of 4 stars). 4 submissions from 4 submitters: Likely benign (4). Last evaluated 2024-12-04.

Conditions:
Catecholaminergic polymorphic ventricular tachycardia 1. Also called: VENTRICULAR TACHYCARDIA, CATECHOLAMINERGIC POLYMORPHIC, 1, WITH OR WITHOUT ATRIAL DYSFUNCTION AND/OR DILATED CARDIOMYOPATHY; RYR2-Related Catecholaminergic Polymorphic Ventricular Tachycardia; VENTRICULAR TACHYCARDIA, STRESS-INDUCED POLYMORPHIC 1. Identifiers: Orphanet 3286, MedGen C1631597, MONDO:0011484, OMIM 604772.
Cardiomyopathy (CMYO). Also called: Cardiomyopathies. Identifiers: Orphanet 167848, MedGen C0878544, MONDO:0004994, HP:0001638. Inheritance: Various modes of inheritance.
Catecholaminergic polymorphic ventricular tachycardia (CVPT). Also called: Catecholamine-induced polymorphic ventricular tachycardia. Identifiers: Orphanet 3286, MedGen C5574922, MONDO:0017990.

Allele frequency attached by ClinVar (database versions not stated): gnomAD exomes below 0.00001.
gnomAD v4.1: 3 of 1,613,892 alleles (0.00019%); highest among the groups gnomAD compares: Non-Finnish European, 0.00025%; no homozygotes.

Submissions (4):

Labcorp Genetics (formerly Invitae), Labcorp
Classification: Likely benign for Catecholaminergic polymorphic ventricular tachycardia 1. Last evaluated: 2024-12-04. Review status: criteria provided, single submitter. Criteria: Invitae Variant Classification Sherloc (09022015). Collection method: clinical testing. Allele origin: germline.

All of Us Research Program, National Institutes of Health
Classification: Likely benign for Catecholaminergic polymorphic ventricular tachycardia. Last evaluated: 2024-01-11. Review status: criteria provided, single submitter. Criteria: ACMG Guidelines, 2015. Collection method: clinical testing. Allele origin: germline. Inheritance: Autosomal dominant inheritance. Observed: 1 variant allele, 1 heterozygote.
Comment: This study involves interpretation of variants in research participants for the purpose of population health screening. Participant phenotype was not available at the time of variant classification. Additional details can be found in publication PMID: 35346344, PMCID: PMC8962531

Color Diagnostics, LLC DBA Color Health
Classification: Likely benign for Cardiomyopathy. Last evaluated: 2018-11-21. Review status: criteria provided, single submitter. Criteria: ACMG Guidelines, 2015. Collection method: clinical testing. Allele origin: germline.

GeneDx
Classification: Likely benign. Last evaluated: 2017-02-24. Review status: criteria provided, single submitter. Criteria: GeneDx Variant Classification (06012015). Collection method: clinical testing. Allele origin: germline. Affected: yes.
Comment: This variant is considered likely benign or benign based on one or more of the following criteria: it is a conservative change, it occurs at a poorly conserved position in the protein, it is predicted to be benign by multiple in silico algorithms, and/or has population frequency not consistent with disease.

NM_001035.3(RYR2):c.6369T>C (p.Leu2123=)

Gene: RYR2 (ryanodine receptor 2; plus strand). Cytogenetic location: 1q43.
Variant type: single nucleotide variant.
Coding change: c.6369T>C on transcript NM_001035.3 (MANE Select); coding-DNA position 6369, T replaced by C.
Protein change: p.Leu2123=; no amino-acid change (leucine 2123 retained).
Molecular consequence: synonymous variant.
Genome position (GRCh38, 1-based): chr1:237,628,009, T>C. VCF-style: chr1-237628009-T-C. GRCh37 (hg19) VCF-style: chr1-237791309-T-C.
Other names: c.6369T>C, p.Leu2123= (LRG_402t1).
Identifiers: ClinVar variation 507636 (VCV000507636.6), dbSNP rs1200040510, ClinGen allele CA074846.